The following is an entry in ClinVar:

NM_001379081.2(FREM1):c.5704C>A (p.Gln1902Lys)

Gene: FREM1 (FRAS1 related extracellular matrix 1; minus strand). Cytogenetic location: 9p22.3.
Variant type: single nucleotide variant.
Coding change: c.5704C>A on transcript NM_001379081.2 (MANE Select); coding-DNA position 5704, C replaced by A.
Protein change: p.Gln1902Lys; replaces glutamine 1902 with lysine.
Molecular consequence: missense variant. On other transcripts: non-coding transcript variant (3).
Genome position (GRCh38, 1-based): chr9:14,748,493, G>T on the plus strand (C>A on the coding strand, the complement: FREM1 is on the minus strand). VCF-style: chr9-14748493-G-T. GRCh37 (hg19) VCF-style: chr9-14748491-G-T.
Other names: c.1312C>A, p.Gln438Lys (NM_001177704.3, NM_001370061.2); c.1162C>A, p.Gln388Lys (NM_001370058.2); c.5704C>A, p.Gln1902Lys (NM_144966.7); short protein forms Q388K, Q438K, Q1902K.
Identifiers: ClinVar variation 2086727 (VCV002086727.4), dbSNP rs1383436744, ClinGen allele CA372955917.

ClinVar aggregate classification (germline): Uncertain significance (1 of 4 stars; one submission).

Allele frequency attached by ClinVar (database versions not stated): gnomAD exomes below 0.00001.
gnomAD v4.1: 1 of 1,613,706 alleles (0.000062%); highest among the groups gnomAD compares: East Asian, 0.0022%; no homozygotes.

Submission:

Labcorp Genetics (formerly Invitae), Labcorp
Classification: Uncertain significance. Last evaluated: 2025-06-12. Review status: criteria provided, single submitter. Criteria: Invitae Variant Classification Sherloc (09022015). Collection method: clinical testing. Allele origin: germline.
Comment: This sequence change replaces glutamine, which is neutral and polar, with lysine, which is basic and polar, at codon 1902 of the FREM1 protein (p.Gln1902Lys). This variant is present in population databases (no rsID available, gnomAD 0.006%). This variant has not been reported in the literature in individuals affected with FREM1-related conditions. ClinVar contains an entry for this variant (Variation ID: 2086727). An algorithm developed to predict the effect of missense changes on protein structure and function (PolyPhen-2) suggests that this variant is likely to be tolerated. In summary, the available evidence is currently insufficient to determine the role of this variant in disease. Therefore, it has been classified as a Variant of Uncertain Significance.